The following is an entry in ClinVar:

NM_000350.3(ABCA4):c.6089G>A (p.Arg2030Gln)

Gene: ABCA4 (ATP binding cassette subfamily A member 4; minus strand). Cytogenetic location: 1p22.1.
Variant type: single nucleotide variant.
Coding change: c.6089G>A on transcript NM_000350.3 (MANE Select); coding-DNA position 6089, G replaced by A.
Protein change: p.Arg2030Gln; replaces arginine 2030 with glutamine.
Molecular consequence: missense variant.
Genome position (GRCh38, 1-based): chr1:94,005,499, C>T on the plus strand (G>A on the coding strand, the complement: ABCA4 is on the minus strand). VCF-style: chr1-94005499-C-T. GRCh37 (hg19) VCF-style: chr1-94471055-C-T.
Other names: c.5867G>A, p.Arg1956Gln (NM_001425324.1); short protein forms R2030Q, R1956Q.
Identifiers: ClinVar variation 99428 (VCV000099428.86), dbSNP rs61750641, ClinGen allele CA227366.

ClinVar aggregate classification (germline): Pathogenic. Review status: reviewed by expert panel (3 of 4 stars). 25 submissions from 22 submitters: Pathogenic (1). 24 of the submissions do not count toward it. Last evaluated 2026-02-24.

Conditions:
ABCA4-related retinopathy. Also called: ABCA4-related retinoapthy; ABCA4 retinoapthy. Identifiers: MedGen CN322612, MONDO:0800406.
Progressive cone dystrophy (without rod involvement). Identifiers: MedGen C0271092.
Macular dystrophy. Identifiers: MedGen C0730292, HP:0007754.
ABCA4-related disorder. Also called: ABCA4-related disorders; ABCA4-related condition. Identifiers: MedGen CN239167.
Retinal dystrophy. Also called: Inherited retinal dystrophy. Identifiers: Orphanet 71862, MedGen C0854723, MeSH D058499, MONDO:0019118, HP:0000556.
Severe early-childhood-onset retinal dystrophy (STGD1). Also called: MACULAR DYSTROPHY WITH FLECKS, TYPE 1; STGD; Stargardt macular dystrophy; Juvenile onset macular degeneration; Stargardt disease 1. Identifiers: Orphanet 364055, Orphanet 827, MedGen C1855465, MeSH D000080362, MONDO:0009549, OMIM 248200.
Retinitis pigmentosa 19 (RP19). Also called: ABCA4-Related Retinitis Pigmentosa. Identifiers: Orphanet 791, MedGen C1866422, MONDO:0011137, OMIM 601718.
Cone-rod dystrophy 3 (CORD3). Identifiers: Orphanet 1872, MedGen C1858806, MONDO:0011395, OMIM 604116.
Age related macular degeneration 2. Also called: MACULAR DEGENERATION, SENILE; MACULOPATHY, AGE-RELATED, 2; MACULOPATHY, AGE-RELATED. Identifiers: MedGen C3495438, MONDO:0007932, OMIM 153800.
Vitreoretinopathy. Also called: Vitreoretinal degeneration. Identifiers: MedGen C0344290, MONDO:0020248, HP:0007773.
Retinal disorder. Also called: Retinopathy; Retinal disorders; Retinopathies; Retinal Diseases. Identifiers: MedGen C0035309, MONDO:0005283, HP:0000488.

Allele frequency attached by ClinVar (database versions not stated): gnomAD exomes 0.00035 and 0.00048; TOPMed 0.00042; 1000 Genomes Project 0.00060; 1000 Genomes Project 30x 0.00062; gnomAD 0.00047 and 0.00048; ExAC 0.00039; ESP Exome Variant Server 0.00062.
gnomAD v4.1: 770 of 1,614,138 alleles (0.048%); highest among the groups gnomAD compares: Non-Finnish European, 0.059%; no homozygotes.

Submissions 1 to 11 of 25:

ClinGen ABCA4 Variant Curation Expert Panel, Clingen
Classification: Pathogenic for ABCA4-related retinopathy. Last evaluated: 2026-02-24. Review status: reviewed by expert panel. Criteria: ClinGen ABCA4 ACMG Specifications V1.0.0. Collection method: curation. Allele origin: germline. Inheritance: Autosomal recessive inheritance.
Comment: The NM_000350.3(ABCA4):c.6089G>A is a missense variant predicted to cause substitution of arginine by glutamine at amino acid 2030 (p.Arg2030Gln). The total minor allele frequency in gnomAD v4.1.0 is 0.000477 (770/1614138 alleles), and the GroupMax filtering allele frequency is 0.0005507. This is higher than the ClinGen ABCA4 VCEP’s threshold for PM2_Supporting (<0.0001) and lower than the threshold for BS1_Supporting (>0.00163). The computational predictor REVEL gives a score of 0.856 which is above the threshold of >0.772 (PP3_Moderate). Therefore, none of the population data codes are met. The prevalence of the variant in affected individuals is significantly increased compared with the prevalence in controls with an OR of 14.1 and CI of 9.91 to 20.24, which is above the ABCA4 VCEP threshold of ≥5 where the CI does not contain 1 (PS4; PMID: 35120629). This variant has been detected in at least three individuals with ABCA4-related retinopathy who were compound heterozygous for the variant and a pathogenic variant and were confirmed in trans by family testing (PM3; PMID: 19074458). The variant has been reported to segregate with ABCA4-related retinopathy in the proband and 2 similarly affected relatives (PP1_Moderate; PMID: 19074458). In summary, this variant meets the criteria to be classified as pathogenic for ABCA4-related retinopathy based on the ACMG/AMP criteria applied, as specified by the ClinGen ABCA4 VCEP (Specification Version 1.0): PS4, PM3, PP1_Moderate, PP3_Moderate.

CeGaT Center for Human Genetics Tuebingen
Classification: Pathogenic. Last evaluated: 2026-08-01. Review status: criteria provided, single submitter. Criteria: CeGaT Center For Human Genetics Tuebingen Variant Classification Criteria Version 2. Collection method: clinical testing. Allele origin: germline. Affected: yes. Observed: 7 variant alleles. Not counted in ClinVar's aggregate classification.
Comment: ABCA4: PS1, PM2, PM3, PP3, PS3:Supporting

PreventionGenetics, part of Exact Sciences
Classification: Pathogenic for ABCA4-related condition. Last evaluated: 2026-06-08. Review status: criteria provided, single submitter. Criteria: ACMG Guidelines, 2015. Collection method: clinical testing. Allele origin: germline. Not counted in ClinVar's aggregate classification.
Comment: The ABCA4 c.6089G>A variant is predicted to result in the amino acid substitution p.Arg2030Gln. This variant has been reported many times as causative for autosomal recessive ABCA4-related retinal disease (see for examples: Lewis et al. 1999. PubMed ID: 9973280; Duncker et al. 2015. PubMed ID: 25283059; Table S1, Lin et al. 2024. PubMed ID: 38219857). This variant is present in 0.062% of alleles in individuals of European (Non-Finnish) descent in gnomAD. This variant has been classified as pathogenic by multiple independent submitters to the ClinVar database (Variation ID: 99428). This variant has been proposed to be a hypomorph, requiring a second severe variant on the opposite allele (in trans) to cause disease (Lee et al. 2022. PubMed ID: 34874912). This variant is interpreted as pathogenic.

Genetics Laboratory, Great Ormond Street Hospital NHS Foundation Trust, North Thames Genomic Laboratory Hub
Classification: Pathogenic for Retinal disorders. Last evaluated: 2026-05-05. Review status: criteria provided, single submitter. Criteria: ACGS Best Practice Guidelines for Variant Classification in Rare Disease 2024 v1.2. Collection method: clinical testing. Allele origin: germline. Affected: yes. Not counted in ClinVar's aggregate classification.
Comment: PP3_supporting, PS3_supporting, PM3_very-strong

Dasa
Classification: Pathogenic. Last evaluated: 2026-01-06. Review status: criteria provided, single submitter. Criteria: DASA Assertion Criteria. Collection method: clinical testing. Allele origin: germline. Not counted in ClinVar's aggregate classification.
Comment: NM_000350.3(ABCA4):c.6089G>A (p.Arg2030Gln) is a missense variant that results in the substitution of arginine with glutamine. This variant has been observed in affected individuals with related phenotype in a genotype context consistent with recessive disease (PMID: 22229821; PMID: 23143460; PMID: 30670881; PMID: 19074458; PMID: 27820952). Functional evidence supports a deleterious effect on the gene or gene product (PMID: 22229821; PMID: 23143460; PMID: 30670881; PMID: 19074458; PMID: 27820952). This variant has been recurrently observed in individuals with related phenotype (PMID: 22229821; PMID: 23143460; PMID: 30670881; PMID: 19074458; PMID: 27820952). Multiple computational predictions support a deleterious effect on the gene or gene product. The variant is present at low frequency in population datasets. Based on the available data, this variant is classified as pathogenic.

Labcorp Genetics (formerly Invitae), Labcorp
Classification: Pathogenic. Last evaluated: 2025-12-22. Review status: criteria provided, single submitter. Criteria: Invitae Variant Classification Sherloc (09022015). Collection method: clinical testing. Allele origin: germline. Not counted in ClinVar's aggregate classification.
Comment: This sequence change replaces arginine, which is basic and polar, with glutamine, which is neutral and polar, at codon 2030 of the ABCA4 protein (p.Arg2030Gln). This variant is present in population databases (rs61750641, gnomAD 0.06%). This missense change has been observed in individual(s) with Stargardt disease (PMID: 22229821, 23143460). In at least one individual the data is consistent with being in trans (on the opposite chromosome) from a pathogenic variant. ClinVar contains an entry for this variant (Variation ID: 99428). Invitae Evidence Modeling of protein sequence and biophysical properties (such as structural, functional, and spatial information, amino acid conservation, physicochemical variation, residue mobility, and thermodynamic stability) has been performed for this missense variant. However, the output from this modeling did not meet the statistical confidence thresholds required to predict the impact of this variant on ABCA4 protein function. For these reasons, this variant has been classified as Pathogenic.

Blueprint Genetics
Classification: Pathogenic for ABCA4-related disorders. Last evaluated: 2024-11-26. Review status: criteria provided, single submitter. Criteria: ACMG Guidelines, 2015. Collection method: clinical testing. Allele origin: germline. Affected: yes. Observed: 5 variant alleles. Not counted in ClinVar's aggregate classification.

Fulgent Genetics
Classification: Pathogenic for Age related macular degeneration 2; Severe early-childhood-onset retinal dystrophy; Retinitis pigmentosa 19; Cone-rod dystrophy 3. Last evaluated: 2024-04-24. Review status: criteria provided, single submitter. Criteria: ACMG Guidelines, 2015. Collection method: clinical testing. Allele origin: germline. Not counted in ClinVar's aggregate classification.

Revvity Omics, Revvity
Classification: Pathogenic. Last evaluated: 2023-06-28. Review status: criteria provided, single submitter. Criteria: ACMG Guidelines, 2015. Collection method: clinical testing. Allele origin: germline. Not counted in ClinVar's aggregate classification.

Institute of Human Genetics Munich, TUM University Hospital
Classification: Pathogenic for Severe early-childhood-onset retinal dystrophy. Last evaluated: 2023-01-25. Review status: criteria provided, single submitter. Criteria: Classification criteria August 2017. Collection method: clinical testing. Allele origin: germline. Inheritance: Autosomal recessive inheritance. Affected: yes. Observed: 1 variant allele. Not counted in ClinVar's aggregate classification.

Institute of Human Genetics, Univ. Regensburg, Univ. Regensburg
Classification: Likely pathogenic for Retinal dystrophy. Last evaluated: 2023-01-01. Review status: criteria provided, single submitter. Criteria: ACMG Guidelines, 2015. Collection method: clinical testing. Allele origin: germline. Affected: yes. Not counted in ClinVar's aggregate classification.